The following is an entry in ClinVar:

ClinVar aggregate classification (germline): Uncertain significance (1 of 4 stars; one submission).

Conditions:
DOCK3-related disorder. Also called: DOCK3-related condition.

Submission:

PreventionGenetics, part of Exact Sciences
Classification: Uncertain significance for DOCK3-related condition. Last evaluated: 2023-02-15. Review status: criteria provided, single submitter. Criteria: ACMG Guidelines, 2015. Collection method: clinical testing. Allele origin: germline.
Comment: The DOCK3 c.33delC variant is predicted to result in premature protein termination (p.Val12*). To our knowledge, this variant has not been reported in the literature or in a large population database, indicating this variant is rare. At this time, the clinical significance of this variant is uncertain due to the absence of conclusive functional and genetic evidence.

NM_004947.5(DOCK3):c.33del (p.Gly11_Val12insTer)

Gene: DOCK3 (dedicator of cytokinesis 3; plus strand). Cytogenetic location: 3p21.2.
Variant type: Deletion.
Coding change: c.33del on transcript NM_004947.5 (MANE Select); coding-DNA position 33, one base deleted (C; older notation c.33delC).
Protein change: p.Gly11_Val12insTer.
Molecular consequence: frameshift variant.
Genome position (GRCh38, 1-based): chr3:50,675,296, C deleted. VCF-style (leftmost placement, unchanged base first): chr3-50675295-GC-G. GRCh37 (hg19) VCF-style: chr3-50712726-GC-G.
Identifiers: ClinVar variation 2630324 (VCV002630324.1), dbSNP rs2471749908, ClinGen allele CA2695197906.
Genomic context (GRCh38, chr3:50,675,295, plus strand): 5'-GCGCCCGCGGGGCCGCGCCCGGCACGGCCATGTGGACCCCCACGGAGGAGGAGAAATACG[GC>G]GTAGGTAGGTGAGGCTCAGGCCTGGCCGTGGCGGGGGTTCTGGGGGACGCGCCCAGCTCC-3'